The following is an entry in ClinVar:

ClinVar aggregate classification (germline): Uncertain significance (1 of 4 stars; one submission).

Submission:

Labcorp Genetics (formerly Invitae), Labcorp
Classification: Uncertain significance. Last evaluated: 2022-06-02. Review status: criteria provided, single submitter. Criteria: Invitae Variant Classification Sherloc (09022015). Collection method: clinical testing. Allele origin: germline.
Comment: Algorithms developed to predict the effect of missense changes on protein structure and function are either unavailable or do not agree on the potential impact of this missense change (SIFT: "Deleterious"; PolyPhen-2: "Probably Damaging"; Align-GVGD: "Class C15"). This sequence change replaces glycine, which is neutral and non-polar, with aspartic acid, which is acidic and polar, at codon 413 of the ADAMTS10 protein (p.Gly413Asp). This variant is not present in population databases (gnomAD no frequency). This variant has not been reported in the literature in individuals affected with ADAMTS10-related conditions. In summary, the available evidence is currently insufficient to determine the role of this variant in disease. Therefore, it has been classified as a Variant of Uncertain Significance.

NM_030957.4(ADAMTS10):c.1238G>A (p.Gly413Asp)

Gene: ADAMTS10 (ADAM metallopeptidase with thrombospondin type 1 motif 10; minus strand). Cytogenetic location: 19p13.2.
Variant type: single nucleotide variant.
Coding change: c.1238G>A on transcript NM_030957.4 (MANE Select); coding-DNA position 1238, G replaced by A.
Protein change: p.Gly413Asp; replaces glycine 413 with aspartic acid.
Molecular consequence: missense variant.
Genome position (GRCh38, 1-based): chr19:8,596,172, C>T on the plus strand (G>A on the coding strand, the complement: ADAMTS10 is on the minus strand). VCF-style: chr19-8596172-C-T. GRCh37 (hg19) VCF-style: chr19-8661056-C-T.
Other names: short protein forms G413D.
Identifiers: ClinVar variation 1945922 (VCV001945922.5), dbSNP rs2512622206, ClinGen allele CA403755403.